The following is an entry in ClinVar:

ClinVar aggregate classification (germline): Uncertain significance (1 of 4 stars; one submission).

Conditions:
MC4R-related disorder. Also called: MC4R-related condition.

Submission:

PreventionGenetics, part of Exact Sciences
Classification: Uncertain significance for MC4R-related condition. Last evaluated: 2025-02-17. Review status: criteria provided, single submitter. Criteria: ACMG Guidelines, 2015. Collection method: clinical testing. Allele origin: germline.
Comment: The MC4R c.688C>G variant is predicted to result in the amino acid substitution p.Pro230Ala. To our knowledge, this variant has not been reported in the literature or in gnomAD, indicating this variant is rare. At this time, the clinical significance of this variant is uncertain due to the absence of conclusive functional and genetic evidence.

NM_005912.3(MC4R):c.688C>G (p.Pro230Ala)

Gene: MC4R (melanocortin 4 receptor; minus strand). Cytogenetic location: 18q21.32.
Variant type: single nucleotide variant.
Coding change: c.688C>G on transcript NM_005912.3 (MANE Select); coding-DNA position 688, C replaced by G.
Protein change: p.Pro230Ala; replaces proline 230 with alanine.
Molecular consequence: missense variant.
Genome position (GRCh38, 1-based): chr18:60,371,662, G>C on the plus strand (C>G on the coding strand, the complement: MC4R is on the minus strand). VCF-style: chr18-60371662-G-C. GRCh37 (hg19) VCF-style: chr18-58038895-G-C.
Other names: short protein forms P230A.
Identifiers: ClinVar variation 4983919 (VCV004983919.1).
Genomic context (GRCh38, chr18:60,371,662, plus strand): 5'-GGATGGTCAAGGTAATCGCTCCCTTCATATTGGCACCTTGGCGGATGGCACCAGTGCCGG[G>C]GAGGACAGCAATCCTCTTAATGTGAAGCCTGGCCATCAGGAACATGTGGACATAGAGAGA-3'
Protein context (NP_005903.2, residues 220-240): RLHIKRIAVL[Pro230Ala]GTGAIRQGAN